The following is an entry in ClinVar:

ClinVar aggregate classification (germline): Likely benign (1 of 4 stars; one submission).

Allele frequency attached by ClinVar (database versions not stated): gnomAD 0.00916 and 0.00975; TOPMed 0.01062; 1000 Genomes Project 0.01278; 1000 Genomes Project 30x 0.01374.
gnomAD v4.1: 1,377 of 152,210 alleles (0.9%); highest among the groups gnomAD compares: African/African-American, 3.2%; 21 homozygotes.

Submission:

GeneDx
Classification: Likely benign. Last evaluated: 2018-06-19. Review status: criteria provided, single submitter. Criteria: GeneDx Variant Classification (06012015). Collection method: clinical testing. Allele origin: germline. Affected: yes.
Comment: This variant is considered likely benign or benign based on one or more of the following criteria: it is a conservative change, it occurs at a poorly conserved position in the protein, it is predicted to be benign by multiple in silico algorithms, and/or has population frequency not consistent with disease.

NM_001042492.3(NF1):c.6007-286A>G

Gene: NF1 (neurofibromin 1; plus strand). Cytogenetic location: 17q11.2.
Variant type: single nucleotide variant.
Coding change: c.6007-286A>G on transcript NM_001042492.3 (MANE Select); 286 bases into the intron before coding-DNA position 6007, A replaced by G.
Molecular consequence: intron variant.
Genome position (GRCh38, 1-based): chr17:31,336,047, A>G. VCF-style: chr17-31336047-A-G. GRCh37 (hg19) VCF-style: chr17-29663065-A-G.
Other names: c.5944-286A>G (NM_000267.4).
Identifiers: ClinVar variation 561947 (VCV000561947.1), dbSNP rs17886203, ClinGen allele CA289385650.